The following is an entry in ClinVar:

NM_001913.5(CUX1):c.1855_1856del (p.Thr619fs)

Gene: CUX1 (cut like homeobox 1; plus strand). Cytogenetic location: 7q22.1.
Variant type: Deletion.
Coding change: c.1855_1856del on transcript NM_001913.5 (MANE Plus Clinical); coding-DNA positions 1855 to 1856, 2 bases deleted (AC; older notation c.1855_1856delAC).
Protein change: p.Thr619fs; shifts the reading frame from threonine 619.
Molecular consequence: frameshift variant.
Genome position (GRCh38, 1-based): chr7:102,281,873-102,281,874, AC deleted; deleting any 2 consecutive bases within chr7:102,281,872-102,281,874 gives the same sequence; the c. name uses the placement nearest the transcript's 3' end. VCF-style (leftmost placement, unchanged base first): chr7-102281871-GCA-G. GRCh37 (hg19) VCF-style: chr7-101925163-GCA-G.
Other names: c.1807_1808del, p.Thr603fs (NM_001202544.3); c.1717_1718del, p.Thr573fs (NM_001202545.3); c.1738_1739del, p.Thr580fs (NM_001202546.3); c.1849_1850del, p.Thr617fs (NM_181500.4); short protein forms T573fs, T580fs, T603fs, T617fs, T619fs.
Identifiers: ClinVar variation 1676077 (VCV001676077.32), dbSNP rs1369945414, ClinGen allele CA456812918.

ClinVar aggregate classification (germline): Pathogenic (1 of 4 stars; one submission).

Submission:

CeGaT Center for Human Genetics Tuebingen
Classification: Pathogenic. Last evaluated: 2024-11-01. Review status: criteria provided, single submitter. Criteria: CeGaT Center For Human Genetics Tuebingen Variant Classification Criteria Version 2. Collection method: clinical testing. Allele origin: germline. Affected: yes. Observed: 2 variant alleles.
Comment: CUX1: PVS1, PM2:Supporting, PS4:Supporting